The following is an entry in ClinVar:

NM_000337.6(SGCD):c.319G>A (p.Ala107Thr)

Gene: SGCD (sarcoglycan delta; plus strand). Cytogenetic location: 5q33.3.
Variant type: single nucleotide variant.
Coding change: c.319G>A on transcript NM_000337.6 (MANE Select); coding-DNA position 319, G replaced by A.
Protein change: p.Ala107Thr; replaces alanine 107 with threonine.
Molecular consequence: missense variant.
Genome position (GRCh38, 1-based): chr5:156,589,255, G>A. VCF-style: chr5-156589255-G-A. GRCh37 (hg19) VCF-style: chr5-156016265-G-A.
Other names: c.316G>A, p.Ala106Thr (NM_001128209.2); c.319G>A, p.Ala107Thr (NM_172244.3); short protein forms A106T, A107T.
Identifiers: ClinVar variation 3769654 (VCV003769654.1).

ClinVar aggregate classification (germline): Uncertain significance (1 of 4 stars; one submission).

gnomAD v4.1: 1 of 1,572,080 alleles (0.000064%); highest among the groups gnomAD compares: Admixed American, 0.0019%; no homozygotes.

Submission:

GeneDx
Classification: Uncertain significance. Last evaluated: 2024-09-16. Review status: criteria provided, single submitter. Criteria: GeneDx Variant Classification Process June 2021. Collection method: clinical testing. Allele origin: germline. Affected: yes.
Comment: Not observed at significant frequency in large population cohorts (gnomAD); In silico analysis indicates that this missense variant does not alter protein structure/function; Has not been previously published as pathogenic or benign to our knowledge